The following is an entry in ClinVar:

ClinVar aggregate classification (germline): Pathogenic/Likely pathogenic. Review status: criteria provided, multiple submitters, no conflicts (2 of 4 stars). 3 submissions from 3 submitters: Pathogenic (1); Likely pathogenic (2). Last evaluated 2025-03-31.

Conditions:
Merosin deficient congenital muscular dystrophy (MDC1A). Also called: Congenital merosin-deficient muscular dystrophy 1A; Congenital Muscular Dystrophy Type 1A (MDC1A). Identifiers: Orphanet 258, MedGen C1263858, MONDO:0011925, OMIM 607855.
Muscular dystrophy, limb-girdle, autosomal recessive 23. Identifiers: Orphanet 565837, MedGen C4748327, MONDO:0029136, OMIM 618138.
LAMA2-related muscular dystrophy (LAMA2-RD). Also called: Laminin alpha 2-related dystrophy. Identifiers: MedGen C5679788, MONDO:0100228.

Allele frequency attached by ClinVar (database versions not stated): TOPMed below 0.00001; gnomAD 0.00001.
gnomAD v4.1: 1 of 1,613,892 alleles (0.000062%); no homozygotes.

Submissions (3):

Labcorp Genetics (formerly Invitae), Labcorp
Classification: Pathogenic for LAMA2-related muscular dystrophy. Last evaluated: 2025-03-31. Review status: criteria provided, single submitter. Criteria: Invitae Variant Classification Sherloc (09022015). Collection method: clinical testing. Allele origin: germline.
Comment: This sequence change creates a premature translational stop signal (p.Glu1868*) in the LAMA2 gene. It is expected to result in an absent or disrupted protein product. Loss-of-function variants in LAMA2 are known to be pathogenic (PMID: 18700894, 32904964). This variant is present in population databases (no rsID available, gnomAD no frequency). This variant has not been reported in the literature in individuals affected with LAMA2-related conditions. ClinVar contains an entry for this variant (Variation ID: 1072865). Algorithms developed to predict the effect of sequence changes on RNA splicing suggest that this variant may disrupt the consensus splice site. For these reasons, this variant has been classified as Pathogenic.

Fulgent Genetics
Classification: Likely pathogenic for Merosin deficient congenital muscular dystrophy; Muscular dystrophy, limb-girdle, autosomal recessive 23. Last evaluated: 2024-01-20. Review status: criteria provided, single submitter. Criteria: ACMG Guidelines, 2015. Collection method: clinical testing. Allele origin: germline.

Baylor Genetics
Classification: Likely pathogenic for Merosin deficient congenital muscular dystrophy. Last evaluated: 2022-09-13. Review status: criteria provided, single submitter. Criteria: ACMG Guidelines, 2015. Collection method: clinical testing. Allele origin: unknown.

Literature cited by the submitters: PubMed 18700894 (cited by Labcorp Genetics (formerly Invitae), Labcorp); PubMed 32904964 (cited by Labcorp Genetics (formerly Invitae), Labcorp).

NM_000426.4(LAMA2):c.5602G>T (p.Glu1868Ter)

Gene: LAMA2 (laminin subunit alpha 2; plus strand). Cytogenetic location: 6q22.33.
Variant type: single nucleotide variant.
Coding change: c.5602G>T on transcript NM_000426.4 (MANE Select); coding-DNA position 5602, G replaced by T.
Protein change: p.Glu1868Ter; replaces glutamic acid 1868 with a stop codon.
Molecular consequence: nonsense.
Genome position (GRCh38, 1-based): chr6:129,402,363, G>T. VCF-style: chr6-129402363-G-T. GRCh37 (hg19) VCF-style: chr6-129723508-G-T.
Other names: c.5602G>T, p.Glu1868Ter (NM_001079823.2); short protein forms E1868*.
Identifiers: ClinVar variation 1072865 (VCV001072865.9), dbSNP rs1276300668, ClinGen allele CA365616143.